The following is an entry in ClinVar:

ClinVar aggregate classification (germline): Uncertain significance. Review status: criteria provided, multiple submitters, no conflicts (2 of 4 stars). 3 submissions from 3 submitters: Uncertain significance (3). Last evaluated 2025-11-21.

Conditions:
Familial thoracic aortic aneurysm and aortic dissection (TAAD). Also called: Thoracic aortic aneurysms and dissections. Identifiers: Orphanet 91387, MedGen C4707243, MONDO:0019625.
Arterial tortuosity syndrome (ATORS). Identifiers: Orphanet 3342, MedGen C1859726, MONDO:0008818, OMIM 208050.

Allele frequency attached by ClinVar (database versions not stated): TOPMed 0.00002; ExAC 0.00003; gnomAD 0.00003; gnomAD exomes 0.00003.
gnomAD v4.1: 22 of 1,614,076 alleles (0.0014%); highest among the groups gnomAD compares: Admixed American, 0.005%; no homozygotes.

Submissions (3):

Labcorp Genetics (formerly Invitae), Labcorp
Classification: Uncertain significance for Arterial tortuosity syndrome. Last evaluated: 2025-11-21. Review status: criteria provided, single submitter. Criteria: Invitae Variant Classification Sherloc (09022015). Collection method: clinical testing. Allele origin: germline.
Comment: This sequence change replaces aspartic acid, which is acidic and polar, with asparagine, which is neutral and polar, at codon 468 of the SLC2A10 protein (p.Asp468Asn). This variant is present in population databases (rs768345011, gnomAD 0.009%). This variant has not been reported in the literature in individuals affected with SLC2A10-related conditions. ClinVar contains an entry for this variant (Variation ID: 213750). Invitae Evidence Modeling of protein sequence and biophysical properties (such as structural, functional, and spatial information, amino acid conservation, physicochemical variation, residue mobility, and thermodynamic stability) indicates that this missense variant is not expected to disrupt SLC2A10 protein function with a negative predictive value of 95%. In summary, the available evidence is currently insufficient to determine the role of this variant in disease. Therefore, it has been classified as a Variant of Uncertain Significance.

Ambry Genetics
Classification: Uncertain significance for Familial thoracic aortic aneurysm and aortic dissection. Last evaluated: 2025-06-20. Review status: criteria provided, single submitter. Criteria: Ambry Variant Classification Scheme 2023. Collection method: clinical testing. Allele origin: germline.
Comment: The p.D468N variant (also known as c.1402G>A), located in coding exon 3 of the SLC2A10 gene, results from a G to A substitution at nucleotide position 1402. The aspartic acid at codon 468 is replaced by asparagine, an amino acid with highly similar properties. This amino acid position is conserved. In addition, this alteration is predicted to be tolerated by in silico analysis. Since supporting evidence is limited at this time, the clinical significance of this alteration remains unclear.

GeneDx
Classification: Uncertain significance. Last evaluated: 2024-08-13. Review status: criteria provided, single submitter. Criteria: GeneDx Variant Classification Process June 2021. Collection method: clinical testing. Allele origin: germline. Affected: yes.
Comment: Not observed at significant frequency in large population cohorts (gnomAD); In silico analysis indicates that this missense variant does not alter protein structure/function; Has not been previously published as pathogenic or benign to our knowledge

NM_030777.4(SLC2A10):c.1402G>A (p.Asp468Asn)

Gene: SLC2A10 (solute carrier family 2 member 10; plus strand). Cytogenetic location: 20q13.12.
Variant type: single nucleotide variant.
Coding change: c.1402G>A on transcript NM_030777.4 (MANE Select); coding-DNA position 1402, G replaced by A.
Protein change: p.Asp468Asn; replaces aspartic acid 468 with asparagine.
Molecular consequence: missense variant.
Genome position (GRCh38, 1-based): chr20:46,726,977, G>A. VCF-style: chr20-46726977-G-A. GRCh37 (hg19) VCF-style: chr20-45355616-G-A.
Other names: p.D468N:GAT>AAT; short protein forms D468N.
Identifiers: ClinVar variation 213750 (VCV000213750.15), dbSNP rs768345011, ClinGen allele CA319761.
Genomic context (GRCh38, chr20:46,726,977, plus strand): 5'-TTCGCCTTCTGCAACAGCTTCAACTGGGCGGCCAACCTCTTCATCAGCCTCTCCTTCCTC[G>A]ATCTCATTGGTGAGTCCTTCCCAGACAAGTCCGTTTTTTTTCTGTGGCCCAAGCTCCCTA-3'
Protein context (NP_110404.1, residues 458-478): ANLFISLSFL[Asp468Asn]LIGTIGLSWT